The following is an entry in ClinVar:

ClinVar aggregate classification (germline): Conflicting classifications of pathogenicity. Review status: criteria provided, conflicting classifications (1 of 4 stars). 3 submissions from 3 submitters: Likely pathogenic (1); Uncertain significance (2). Last evaluated 2024-10-16.

Conditions:
MYH7-related disorder. Also called: MYH7-related condition; MYH7-related disease; MYH7-related disorders.
Hypertrophic cardiomyopathy 1 (CMH1). Also called: MYH7-Related Familial Hypertrophic Cardiomyopathy; Familial hypertrophic cardiomyopathy 1. Identifiers: MedGen C3495498, MONDO:0008647, OMIM 192600.

Submissions (3):

3billion
Classification: Uncertain significance for Hypertrophic cardiomyopathy 1. Last evaluated: 2024-10-16. Review status: criteria provided, single submitter. Criteria: ACMG Guidelines, 2015. Collection method: clinical testing. Allele origin: germline. Affected: yes.
Comment: The variant is not observed in the gnomAD v4.1.0 dataset. Predicted Consequence/Location: Missense variant In silico tool predictions suggest damaging effect of the variant on gene or gene product [REVEL: 0.90 (>=0.6, sensitivity 0.68 and specificity 0.92)]. The same nucleotide change resulting in the same amino acid change has been previously reported to be associated with MYH7 related disorder (PMID: 16199542). A different missense change at the same codon (p.Gly1057Ser) has been reported as pathogenic/likely pathogenic with strong evidence (ClinVar ID: VCV000042950 /PMID: 15358028). However, the evidence of pathogenicity is insufficient at this time. Therefore, this variant is classified as VUS according to the recommendation of ACMG/AMP guideline.

Blueprint Genetics
Classification: Likely pathogenic for MYH7-related disorders. Last evaluated: 2019-12-10. Review status: criteria provided, single submitter. Criteria: ACMG Guidelines, 2015. Collection method: clinical testing. Allele origin: germline. Affected: yes. Observed: 3 variant alleles.

Agnes Ginges Centre for Molecular Cardiology, Centenary Institute
Classification: Uncertain significance for Hypertrophic cardiomyopathy 1. Last evaluated: 2017-03-09. Review status: criteria provided, single submitter. Criteria: Agnes Ginges Centre for Molecular Cardiology criteria (2015). Collection method: research. Allele origin: germline. Inheritance: Autosomal dominant inheritance. Affected: yes.
Comment: The MYH7 Gly1057Asp is absent from both the 1000 genomes project, as well as the Exome Aggregation Consortium dataset. Interestingly, a different rare missense variant at this amino acid position (Gly1057Ser) has also been reported in HCM individuals, suggesting that an amino acid substitution at this site may not be tolerated. Computational tools SIFT, MutationTaster PolyPhen-2 and, PolyPhen-HCM predict this variant to have a deleterious effect. Based on rarity in populations and our limited familial data we have classified MYH7 Gly1057Asp as a variant of "uncertain significance".

Literature cited by the submitters: PubMed 16199542 (cited by 3billion and Agnes Ginges Centre for Molecular Cardiology, Centenary Institute); PubMed 15358028 (cited by 3billion and Agnes Ginges Centre for Molecular Cardiology, Centenary Institute).

NM_000257.4(MYH7):c.3170G>A (p.Gly1057Asp)

Gene: MYH7 (myosin heavy chain 7; minus strand). Cytogenetic location: 14q11.2.
Variant type: single nucleotide variant.
Coding change: c.3170G>A on transcript NM_000257.4 (MANE Select); coding-DNA position 3170, G replaced by A.
Protein change: p.Gly1057Asp; replaces glycine 1057 with aspartic acid.
Molecular consequence: missense variant.
Genome position (GRCh38, 1-based): chr14:23,422,255, C>T on the plus strand (G>A on the coding strand, the complement: MYH7 is on the minus strand). VCF-style: chr14-23422255-C-T. GRCh37 (hg19) VCF-style: chr14-23891464-C-T.
Other names: c.3170G>A (LRG_384t1); short protein forms G1057D.
Identifiers: ClinVar variation 492982 (VCV000492982.4), dbSNP rs1298412196, ClinGen allele CA389045319.